The following is an entry in ClinVar:

ClinVar aggregate classification (germline): Pathogenic (1 of 4 stars; one submission).

Submission:

CeGaT Center for Human Genetics Tuebingen
Classification: Pathogenic. Last evaluated: 2023-06-01. Review status: criteria provided, single submitter. Criteria: CeGaT Center For Human Genetics Tuebingen Variant Classification Criteria Version 2. Collection method: clinical testing. Allele origin: germline. Affected: yes. Observed: 1 variant allele.
Comment: MYBPC3: PVS1, PM2, PS4:Supporting

NM_000256.3(MYBPC3):c.806C>A (p.Ser269Ter)

Gene: MYBPC3 (myosin binding protein C3; minus strand). Cytogenetic location: 11p11.2.
Variant type: single nucleotide variant.
Coding change: c.806C>A on transcript NM_000256.3 (MANE Select); coding-DNA position 806, C replaced by A.
Protein change: p.Ser269Ter; replaces serine 269 with a stop codon.
Molecular consequence: nonsense.
Genome position (GRCh38, 1-based): chr11:47,347,872, G>T on the plus strand (C>A on the coding strand, the complement: MYBPC3 is on the minus strand). VCF-style: chr11-47347872-G-T. GRCh37 (hg19) VCF-style: chr11-47369423-G-T.
Other names: short protein forms S269*.
Identifiers: ClinVar variation 2578656 (VCV002578656.25), dbSNP rs1323097421, ClinGen allele CA380333836.